The following is an entry in ClinVar:

ClinVar aggregate classification (germline): Uncertain significance (1 of 4 stars; one submission).

gnomAD v4.1: 1 of 1,614,130 alleles (0.000062%); highest among the groups gnomAD compares: East Asian, 0.0022%; no homozygotes.

Submission:

Labcorp Genetics (formerly Invitae), Labcorp
Classification: Uncertain significance. Last evaluated: 2022-07-04. Review status: criteria provided, single submitter. Criteria: Invitae Variant Classification Sherloc (09022015). Collection method: clinical testing. Allele origin: germline.
Comment: In summary, the available evidence is currently insufficient to determine the role of this variant in disease. Therefore, it has been classified as a Variant of Uncertain Significance. Algorithms developed to predict the effect of missense changes on protein structure and function are either unavailable or do not agree on the potential impact of this missense change (SIFT: "Tolerated"; PolyPhen-2: "Probably Damaging"; Align-GVGD: "Class C0"). This variant has not been reported in the literature in individuals affected with SBF1-related conditions. This variant is not present in population databases (gnomAD no frequency). This sequence change replaces threonine, which is neutral and polar, with isoleucine, which is neutral and non-polar, at codon 1023 of the SBF1 protein (p.Thr1023Ile).

NM_002972.4(SBF1):c.3068C>T (p.Thr1023Ile)

Gene: SBF1 (SET binding factor 1; minus strand). Cytogenetic location: 22q13.33.
Variant type: single nucleotide variant.
Coding change: c.3068C>T on transcript NM_002972.4 (MANE Select); coding-DNA position 3068, C replaced by T.
Protein change: p.Thr1023Ile; replaces threonine 1023 with isoleucine.
Molecular consequence: missense variant.
Genome position (GRCh38, 1-based): chr22:50,460,612, G>A on the plus strand (C>T on the coding strand, the complement: SBF1 is on the minus strand). VCF-style: chr22-50460612-G-A. GRCh37 (hg19) VCF-style: chr22-50899041-G-A.
Other names: c.3071C>T, p.Thr1024Ile (NM_001365819.1, NM_001410794.1); c.3068C>T, p.Thr1023Ile (NM_001410795.1, NM_197971.1); short protein forms T1023I, T1024I.
Identifiers: ClinVar variation 2090991 (VCV002090991.4), dbSNP rs548786259, ClinGen allele CA412207456.